The following is an entry in ClinVar:

NM_153460.4(IL17RC):c.1015C>A (p.Gln339Lys)

Gene: IL17RC (interleukin 17 receptor C; plus strand). Cytogenetic location: 3p25.3.
Variant type: single nucleotide variant.
Coding change: c.1015C>A on transcript NM_153460.4 (MANE Select); coding-DNA position 1015, C replaced by A.
Protein change: p.Gln339Lys; replaces glutamine 339 with lysine.
Molecular consequence: missense variant. On other transcripts: non-coding transcript variant (1).
Genome position (GRCh38, 1-based): chr3:9,928,442, C>A. VCF-style: chr3-9928442-C-A. GRCh37 (hg19) VCF-style: chr3-9970126-C-A.
Other names: c.1015C>A, p.Gln339Lys (NM_001203263.2, NM_001203264.2); c.970C>A, p.Gln324Lys (NM_001203265.2, NM_001367280.1, NM_032732.6); c.976C>A, p.Gln326Lys (NM_001367278.1); c.895C>A, p.Gln299Lys (NM_001367279.1); c.1228C>A, p.Gln410Lys (NM_153461.4); short protein forms Q299K, Q324K, Q339K, Q326K, Q410K.
Identifiers: ClinVar variation 1377588 (VCV001377588.6), dbSNP rs1309006071, ClinGen allele CA351762031.

ClinVar aggregate classification (germline): Uncertain significance (1 of 4 stars; one submission).

Conditions:
Candidiasis, familial, 9 (CANDF9). Identifiers: Orphanet 1334, MedGen C4225324, MONDO:0014642, OMIM 616445.

Allele frequency attached by ClinVar (database versions not stated): gnomAD exomes below 0.00001; TOPMed below 0.00001.

Submission:

Labcorp Genetics (formerly Invitae), Labcorp
Classification: Uncertain significance for Candidiasis, familial, 9. Last evaluated: 2024-05-08. Review status: criteria provided, single submitter. Criteria: Invitae Variant Classification Sherloc (09022015). Collection method: clinical testing. Allele origin: germline.
Comment: This sequence change replaces glutamine, which is neutral and polar, with lysine, which is basic and polar, at codon 410 of the IL17RC protein (p.Gln410Lys). This variant is present in population databases (no rsID available, gnomAD 0.003%). This variant has not been reported in the literature in individuals affected with IL17RC-related conditions. ClinVar contains an entry for this variant (Variation ID: 1377588). An algorithm developed to predict the effect of missense changes on protein structure and function (PolyPhen-2) suggests that this variant is likely to be tolerated. In summary, the available evidence is currently insufficient to determine the role of this variant in disease. Therefore, it has been classified as a Variant of Uncertain Significance.